The following is an entry in ClinVar:

NM_016343.4(CENPF):c.2153T>C (p.Ile718Thr)

Gene: CENPF (centromere protein F; plus strand). Cytogenetic location: 1q41.
Variant type: single nucleotide variant.
Coding change: c.2153T>C on transcript NM_016343.4 (MANE Select); coding-DNA position 2153, T replaced by C.
Protein change: p.Ile718Thr; replaces isoleucine 718 with threonine.
Molecular consequence: missense variant.
Genome position (GRCh38, 1-based): chr1:214,640,491, T>C. VCF-style: chr1-214640491-T-C. GRCh37 (hg19) VCF-style: chr1-214813834-T-C.
Other names: short protein forms I718T.
Identifiers: ClinVar variation 2092345 (VCV002092345.4), dbSNP rs370332295, ClinGen allele CA1390210.

ClinVar aggregate classification (germline): Uncertain significance (1 of 4 stars; one submission).

Allele frequency attached by ClinVar (database versions not stated): gnomAD 0.00001; ExAC 0.00001; ESP Exome Variant Server 0.00008; gnomAD exomes below 0.00001; TOPMed 0.00001.
gnomAD v4.1: 2 of 1,613,908 alleles (0.00012%); highest among the groups gnomAD compares: African/African-American, 0.0013%; no homozygotes.

Submission:

Labcorp Genetics (formerly Invitae), Labcorp
Classification: Uncertain significance. Last evaluated: 2025-04-14. Review status: criteria provided, single submitter. Criteria: Invitae Variant Classification Sherloc (09022015). Collection method: clinical testing. Allele origin: germline.
Comment: This sequence change replaces isoleucine, which is neutral and non-polar, with threonine, which is neutral and polar, at codon 718 of the CENPF protein (p.Ile718Thr). This variant is present in population databases (rs370332295, gnomAD 0.008%). This variant has not been reported in the literature in individuals affected with CENPF-related conditions. ClinVar contains an entry for this variant (Variation ID: 2092345). An algorithm developed to predict the effect of missense changes on protein structure and function (PolyPhen-2) suggests that this variant is likely to be tolerated. In summary, the available evidence is currently insufficient to determine the role of this variant in disease. Therefore, it has been classified as a Variant of Uncertain Significance.